The following is an entry in ClinVar:

NM_018699.4(PRDM5):c.846C>G (p.His282Gln)

Gene: PRDM5 (PR/SET domain 5; minus strand). Cytogenetic location: 4q27.
Variant type: single nucleotide variant.
Coding change: c.846C>G on transcript NM_018699.4 (MANE Select); coding-DNA position 846, C replaced by G.
Protein change: p.His282Gln; replaces histidine 282 with glutamine.
Molecular consequence: missense variant.
Genome position (GRCh38, 1-based): chr4:120,816,472, G>C on the plus strand (C>G on the coding strand, the complement: PRDM5 is on the minus strand). VCF-style: chr4-120816472-G-C. GRCh37 (hg19) VCF-style: chr4-121737627-G-C.
Other names: c.753C>G, p.His251Gln (NM_001300823.2, NM_001300824.2, NM_001379106.1); c.846C>G, p.His282Gln (NM_001379104.1); short protein forms H251Q, H282Q.
Identifiers: ClinVar variation 4143980 (VCV004143980.1).

ClinVar aggregate classification (germline): Uncertain significance (1 of 4 stars; one submission).

Conditions:
Cardiovascular phenotype. Identifiers: MedGen CN230736.

gnomAD v4.1: 1 of 1,614,148 alleles (0.000062%); highest among the groups gnomAD compares: Non-Finnish European, 0.000085%; no homozygotes.

Submission:

Ambry Genetics
Classification: Uncertain significance for Cardiovascular phenotype. Last evaluated: 2025-08-30. Review status: criteria provided, single submitter. Criteria: Ambry Variant Classification Scheme 2023. Collection method: clinical testing. Allele origin: germline.
Comment: The p.H282Q variant (also known as c.846C>G), located in coding exon 7 of the PRDM5 gene, results from a C to G substitution at nucleotide position 846. The histidine at codon 282 is replaced by glutamine, an amino acid with highly similar properties. This amino acid position is conserved. In addition, this alteration is predicted to be deleterious by in silico analysis. Based on the available evidence, the clinical significance of this variant remains unclear.